The following is an entry in ClinVar:

ClinVar aggregate classification (germline): Uncertain significance (1 of 4 stars; one submission).

Conditions:
Pulmonary fibrosis and/or bone marrow failure, Telomere-related, 3. Also called: PULMONARY FIBROSIS AND/OR BONE MARROW FAILURE SYNDROME, TELOMERE-RELATED, 3. Identifiers: Orphanet 2032, MedGen C4225346, MONDO:0014613, OMIM 616373.
Dyskeratosis congenita, autosomal recessive 5 (DKCB5). Identifiers: MedGen C3554656, MONDO:0014076, OMIM 615190.

Allele frequency attached by ClinVar (database versions not stated): gnomAD exomes 0.00001; ExAC 0.00002.
gnomAD v4.1: 23 of 1,613,978 alleles (0.0014%); highest among the groups gnomAD compares: East Asian, 0.049%; no homozygotes.

Submission:

Labcorp Genetics (formerly Invitae), Labcorp
Classification: Uncertain significance for Dyskeratosis congenita, autosomal recessive 5; Pulmonary fibrosis and/or bone marrow failure, Telomere-related, 3. Last evaluated: 2025-10-18. Review status: criteria provided, single submitter. Criteria: Invitae Variant Classification Sherloc (09022015). Collection method: clinical testing. Allele origin: germline.
Comment: This sequence change replaces glutamine, which is neutral and polar, with arginine, which is basic and polar, at codon 16 of the RTEL1 protein (p.Gln16Arg). This variant is present in population databases (rs748145576, gnomAD 0.01%). This variant has not been reported in the literature in individuals affected with RTEL1-related conditions. ClinVar contains an entry for this variant (Variation ID: 2154176). An algorithm developed to predict the effect of missense changes on protein structure and function (PolyPhen-2) suggests that this variant is likely to be tolerated. In summary, the available evidence is currently insufficient to determine the role of this variant in disease. Therefore, it has been classified as a Variant of Uncertain Significance.

NM_001283009.2(RTEL1):c.47A>G (p.Gln16Arg)

Genes: RTEL1 (regulator of telomere elongation helicase 1; plus strand), RTEL1-TNFRSF6B (RTEL1-TNFRSF6B readthrough (NMD candidate); plus strand). Cytogenetic location: 20q13.33.
Variant type: single nucleotide variant.
Coding change: c.47A>G on transcript NM_001283009.2 (MANE Select); coding-DNA position 47, A replaced by G.
Protein change: p.Gln16Arg; replaces glutamine 16 with arginine.
Molecular consequence: missense variant. On other transcripts: non-coding transcript variant (1), intron variant (1).
Genome position (GRCh38, 1-based): chr20:63,659,449, A>G. VCF-style: chr20-63659449-A-G. GRCh37 (hg19) VCF-style: chr20-62290802-A-G.
Other names: c.47A>G, p.Gln16Arg (NM_016434.4, NM_032957.5); c.-568+990A>G (NM_001283010.1); short protein forms Q16R.
Identifiers: ClinVar variation 2154176 (VCV002154176.2), dbSNP rs748145576, ClinGen allele CA9964081.